The following is an entry in ClinVar:

NM_198576.4(AGRN):c.2324A>G (p.Gln775Arg)

Gene: AGRN (agrin; plus strand). Cytogenetic location: 1p36.33.
Variant type: single nucleotide variant.
Coding change: c.2324A>G on transcript NM_198576.4 (MANE Select); coding-DNA position 2324, A replaced by G.
Protein change: p.Gln775Arg; replaces glutamine 775 with arginine.
Molecular consequence: missense variant.
Genome position (GRCh38, 1-based): chr1:1,045,230, A>G. VCF-style: chr1-1045230-A-G. GRCh37 (hg19) VCF-style: chr1-980610-A-G.
Other names: c.2324A>G, p.Gln775Arg (NM_001305275.2); c.2009A>G, p.Gln670Arg (NM_001364727.2); c.2324A>G (NM_198576.3); short protein forms Q670R, Q775R.
Identifiers: ClinVar variation 1024610 (VCV001024610.7), dbSNP rs370381176, ClinGen allele CA16756497.
Genomic context (GRCh38, chr1:1,045,230, plus strand): 5'-TCGCCCCGCTGCCGCCTGTGGCCCCCTTACACTGTGCCCAGACGCCCTACGGCTGCTGCC[A>G]GGACAATATCACCGCAGCCCGGGGCGTGGGCCTGGCTGGCTGCCCCAGTGAGTACCTGAG-3'
Protein context (NP_940978.2, residues 765-785): HCAQTPYGCC[Gln775Arg]DNITAARGVG

ClinVar aggregate classification (germline): Uncertain significance. Review status: criteria provided, multiple submitters, no conflicts (2 of 4 stars). 2 submissions from 2 submitters: Uncertain significance (2). Last evaluated 2025-10-22.

Conditions:
Inborn genetic diseases. Identifiers: MedGen C0950123, MeSH D030342.
Congenital myasthenic syndrome 8. Also called: Myasthenic syndrome, congenital, 8, with pre- and postsynaptic defects; MYASTHENIC SYNDROME, CONGENITAL, DUE TO AGRIN DEFICIENCY. Identifiers: Orphanet 590, MedGen C3808739, MONDO:0014052, OMIM 615120.

Allele frequency attached by ClinVar (database versions not stated): gnomAD exomes below 0.00001; TOPMed 0.00002; ESP Exome Variant Server 0.00008; gnomAD 0.00003.
gnomAD v4.1: 10 of 1,612,346 alleles (0.00062%); highest among the groups gnomAD compares: African/African-American, 0.0053%; no homozygotes.

Submissions (2):

Ambry Genetics
Classification: Uncertain significance for Inborn genetic diseases. Last evaluated: 2025-10-22. Review status: criteria provided, single submitter. Criteria: Ambry Variant Classification Scheme 2023. Collection method: clinical testing. Allele origin: germline.

Labcorp Genetics (formerly Invitae), Labcorp
Classification: Uncertain significance for Congenital myasthenic syndrome 8. Last evaluated: 2022-02-13. Review status: criteria provided, single submitter. Criteria: Invitae Variant Classification Sherloc (09022015). Collection method: clinical testing. Allele origin: germline.
Comment: This sequence change replaces glutamine, which is neutral and polar, with arginine, which is basic and polar, at codon 775 of the AGRN protein (p.Gln775Arg). This variant is present in population databases (rs370381176, gnomAD 0.004%). This variant has not been reported in the literature in individuals affected with AGRN-related conditions. ClinVar contains an entry for this variant (Variation ID: 1024610). Algorithms developed to predict the effect of missense changes on protein structure and function output the following: SIFT: "Tolerated"; PolyPhen-2: "Benign"; Align-GVGD: "Class C0". The arginine amino acid residue is found in multiple mammalian species, which suggests that this missense change does not adversely affect protein function. In summary, the available evidence is currently insufficient to determine the role of this variant in disease. Therefore, it has been classified as a Variant of Uncertain Significance.